The following is an entry in ClinVar:

ClinVar aggregate classification (germline): Uncertain significance. Review status: criteria provided, multiple submitters, no conflicts (2 of 4 stars). 4 submissions from 4 submitters: Uncertain significance (4). Last evaluated 2025-08-17.

Conditions:
Age related macular degeneration 1 (ARMD1). Also called: MACULOPATHY, AGE-RELATED, 1. Identifiers: MedGen C1864205, MONDO:0011285, OMIM 603075.

Allele frequency attached by ClinVar (database versions not stated): TOPMed 0.00002.
gnomAD v4.1: 223 of 1,613,986 alleles (0.014%); highest among the groups gnomAD compares: Non-Finnish European, 0.019%; no homozygotes.

Submissions (4):

Labcorp Genetics (formerly Invitae), Labcorp
Classification: Uncertain significance. Last evaluated: 2025-08-17. Review status: criteria provided, single submitter. Criteria: Invitae Variant Classification Sherloc (09022015). Collection method: clinical testing. Allele origin: germline.
Comment: This sequence change replaces serine, which is neutral and polar, with cysteine, which is neutral and slightly polar, at codon 5089 of the HMCN1 protein (p.Ser5089Cys). This variant is present in population databases (rs749090856, gnomAD 0.006%). This variant has not been reported in the literature in individuals affected with HMCN1-related conditions. ClinVar contains an entry for this variant (Variation ID: 874100). An algorithm developed to predict the effect of missense changes on protein structure and function (PolyPhen-2) suggests that this variant is likely to be disruptive. In summary, the available evidence is currently insufficient to determine the role of this variant in disease. Therefore, it has been classified as a Variant of Uncertain Significance.

Ambry Genetics
Classification: Uncertain significance. Last evaluated: 2023-05-05. Review status: criteria provided, single submitter. Criteria: Ambry Variant Classification Scheme 2023. Collection method: clinical testing. Allele origin: germline.

Genome-Nilou Lab
Classification: Uncertain significance for Age related macular degeneration 1. Last evaluated: 2023-04-11. Review status: criteria provided, single submitter. Criteria: ACMG Guidelines, 2015. Collection method: clinical testing. Allele origin: germline. Affected: no.

Illumina Laboratory Services, Illumina
Classification: Uncertain significance for Age related macular degeneration 1. Last evaluated: 2018-01-13. Review status: criteria provided, single submitter. Criteria: ICSL Variant Classification Criteria 13 December 2019. Collection method: clinical testing. Allele origin: germline.

NM_031935.3(HMCN1):c.15265A>T (p.Ser5089Cys)

Gene: HMCN1 (hemicentin 1; plus strand). Cytogenetic location: 1q31.1.
Variant type: single nucleotide variant.
Coding change: c.15265A>T on transcript NM_031935.3 (MANE Select); coding-DNA position 15265, A replaced by T.
Protein change: p.Ser5089Cys; replaces serine 5089 with cysteine.
Molecular consequence: missense variant.
Genome position (GRCh38, 1-based): chr1:186,165,119, A>T. VCF-style: chr1-186165119-A-T. GRCh37 (hg19) VCF-style: chr1-186134251-A-T.
Other names: short protein forms S5089C.
Identifiers: ClinVar variation 874100 (VCV000874100.11), dbSNP rs749090856, ClinGen allele CA1295198.